The following is an entry in ClinVar:

NM_004260.4(RECQL4):c.3237-2A>T

Gene: RECQL4 (RecQ like helicase 4; minus strand). Cytogenetic location: 8q24.3.
Variant type: single nucleotide variant.
Coding change: c.3237-2A>T on transcript NM_004260.4 (MANE Select); the canonical splice acceptor site of the intron before coding-DNA position 3237, A replaced by T.
Molecular consequence: splice acceptor variant.
Genome position (GRCh38, 1-based): chr8:144,512,069, T>A on the plus strand (A>T on the coding strand, the complement: RECQL4 is on the minus strand). VCF-style: chr8-144512069-T-A. GRCh37 (hg19) VCF-style: chr8-145737452-T-A.
Other names: c.2166-2A>T (NM_001413034.1, NM_001413022.1, NM_001413035.1 and 4 more transcripts); c.1770-2A>T (NM_001413043.1); c.1968-2A>T (NM_001413031.1, NM_001413038.1); c.2100-2A>T (NM_001413030.1, NM_001413027.1, NM_001413032.1); c.2175-2A>T (NM_001413041.1); c.2136-2A>T (NM_001413042.1); c.2034-2A>T (NM_001413037.1); c.2241-2A>T (NM_001413023.1); and 9 more.
Identifiers: ClinVar variation 3695698 (VCV003695698.2).
Genomic context (GRCh38, chr8:144,512,069, plus strand): 5'-TGGTGCTGCGCTCCTCATCCTGCTGCTCCAGGCAGGGCCCGCAGCTGGGGAAGGCTACGC[T>A]GTGGGGAGGAGCCTGTCAGAGCTGATCACTGCGGGAGGGTGGATGGTCCCAGGCCCCGCC-3'

ClinVar aggregate classification (germline): Likely pathogenic (1 of 4 stars; one submission).

Conditions:
Baller-Gerold syndrome (BGS). Also called: CRANIOSYNOSTOSIS WITH RADIAL DEFECTS. Identifiers: Orphanet 1225, MedGen C0265308, MONDO:0009039, OMIM 218600.

Submission:

Labcorp Genetics (formerly Invitae), Labcorp
Classification: Likely pathogenic for Baller-Gerold syndrome. Last evaluated: 2024-02-13. Review status: criteria provided, single submitter. Criteria: Invitae Variant Classification Sherloc (09022015). Collection method: clinical testing. Allele origin: germline.
Comment: This sequence change affects an acceptor splice site in intron 18 of the RECQL4 gene. It is expected to disrupt RNA splicing. Variants that disrupt the donor or acceptor splice site typically lead to a loss of protein function (PMID: 16199547), and loss-of-function variants in RECQL4 are known to be pathogenic (PMID: 12734318, 12952869). This variant is not present in population databases (gnomAD no frequency). This variant has not been reported in the literature in individuals affected with RECQL4-related conditions. Algorithms developed to predict the effect of sequence changes on RNA splicing suggest that this variant may disrupt the consensus splice site. In summary, the currently available evidence indicates that the variant is pathogenic, but additional data are needed to prove that conclusively. Therefore, this variant has been classified as Likely Pathogenic.

Literature cited by the submitters: PubMed 16199547; PubMed 12734318; PubMed 12952869.